The following is an entry in ClinVar:

NM_006231.4(POLE):c.2252A>C (p.Asn751Thr)

Gene: POLE (DNA polymerase epsilon, catalytic subunit; minus strand). Cytogenetic location: 12q24.33.
Variant type: single nucleotide variant.
Coding change: c.2252A>C on transcript NM_006231.4 (MANE Select); coding-DNA position 2252, A replaced by C.
Protein change: p.Asn751Thr; replaces asparagine 751 with threonine.
Molecular consequence: missense variant.
Genome position (GRCh38, 1-based): chr12:132,667,570, T>G on the plus strand (A>C on the coding strand, the complement: POLE is on the minus strand). VCF-style: chr12-132667570-T-G. GRCh37 (hg19) VCF-style: chr12-133244156-T-G.
Other names: short protein forms N751T.
Identifiers: ClinVar variation 2447920 (VCV002447920.2), dbSNP rs763810721, ClinGen allele CA387352208.

ClinVar aggregate classification (germline): Uncertain significance (1 of 4 stars; one submission).

Conditions:
Hereditary cancer-predisposing syndrome. Also called: Neoplastic Syndromes, Hereditary; Hereditary Cancer Syndrome; Tumor predisposition; Hereditary neoplastic syndrome. Identifiers: Orphanet 140162, MedGen C0027672, MeSH D009386, MONDO:0015356.

Submission:

Ambry Genetics
Classification: Uncertain significance for Hereditary cancer-predisposing syndrome. Last evaluated: 2022-11-23. Review status: criteria provided, single submitter. Criteria: Ambry Variant Classification Scheme 2023. Collection method: clinical testing. Allele origin: germline.
Comment: The p.N751T variant (also known as c.2252A>C), located in coding exon 20 of the POLE gene, results from an A to C substitution at nucleotide position 2252. The asparagine at codon 751 is replaced by threonine, an amino acid with similar properties. This amino acid position is conserved. In addition, this alteration is predicted to be tolerated by in silico analysis. Since supporting evidence is limited at this time, the clinical significance of this alteration remains unclear.